The following is an entry in ClinVar:

ClinVar aggregate classification (germline): Uncertain significance (1 of 4 stars; one submission).

Conditions:
Diamond-Blackfan anemia. Also called: Blackfan Diamond syndrome; Aregenerative anemia chronic congenital; Red cell aplasia, pure hereditary; Congenital hypoplastic anemia; Aase syndrome. Identifiers: Orphanet 124, MedGen C1260899, MeSH D029503, MONDO:0015253, HP:0004810.
GATA binding protein 1 related thrombocytopenia with dyserythropoiesis. Also called: GATA1-Related X-Linked Cytopenia; GATA1-Related Cytopenia. Identifiers: MedGen C1845837, MONDO:0100089.

Submission:

Labcorp Genetics (formerly Invitae), Labcorp
Classification: Uncertain significance for GATA binding protein 1 related thrombocytopenia with dyserythropoiesis; Diamond-Blackfan anemia. Last evaluated: 2024-11-05. Review status: criteria provided, single submitter. Criteria: Invitae Variant Classification Sherloc (09022015). Collection method: clinical testing. Allele origin: germline.
Comment: This sequence change replaces leucine, which is neutral and non-polar, with isoleucine, which is neutral and non-polar, at codon 224 of the GATA1 protein (p.Leu224Ile). This variant is not present in population databases (gnomAD no frequency). This variant has not been reported in the literature in individuals affected with GATA1-related conditions. ClinVar contains an entry for this variant (Variation ID: 1947235). Invitae Evidence Modeling of protein sequence and biophysical properties (such as structural, functional, and spatial information, amino acid conservation, physicochemical variation, residue mobility, and thermodynamic stability) has been performed for this missense variant. However, the output from this modeling did not meet the statistical confidence thresholds required to predict the impact of this variant on GATA1 protein function. In summary, the available evidence is currently insufficient to determine the role of this variant in disease. Therefore, it has been classified as a Variant of Uncertain Significance.

NM_002049.4(GATA1):c.670C>A (p.Leu224Ile)

Gene: GATA1 (GATA binding protein 1; plus strand). Cytogenetic location: Xp11.23.
Variant type: single nucleotide variant.
Coding change: c.670C>A on transcript NM_002049.4 (MANE Select); coding-DNA position 670, C replaced by A.
Protein change: p.Leu224Ile; replaces leucine 224 with isoleucine.
Molecular consequence: missense variant.
Genome position (GRCh38, 1-based): chrX:48,792,394, C>A. VCF-style: chrX-48792394-C-A. GRCh37 (hg19) VCF-style: chrX-48650801-C-A.
Other names: short protein forms L224I.
Identifiers: ClinVar variation 1947235 (VCV001947235.5), dbSNP rs2519345108, ClinGen allele CA412870761.
Genomic context (GRCh38, chrX:48,792,394, plus strand): 5'-TGTGTGAACTGCGGAGCAACAGCCACTCCACTGTGGCGGAGGGACAGGACAGGCCACTAC[C>A]TATGCAACGCCTGCGGCCTCTATCACAAGATGAATGGGCAGAACAGGCCCCTCATCCGGC-3'
Protein context (NP_002040.1, residues 214-234): LWRRDRTGHY[Leu224Ile]CNACGLYHKM